The following is an entry in ClinVar:

NM_017882.3(CLN6):c.199-252A>C

Gene: CLN6 (CLN6 transmembrane ER protein; minus strand). Cytogenetic location: 15q23.
Variant type: single nucleotide variant.
Coding change: c.199-252A>C on transcript NM_017882.3 (MANE Select); 252 bases into the intron before coding-DNA position 199, A replaced by C.
Molecular consequence: intron variant.
Genome position (GRCh38, 1-based): chr15:68,214,640, T>G on the plus strand (A>C on the coding strand, the complement: CLN6 is on the minus strand). VCF-style: chr15-68214640-T-G. GRCh37 (hg19) VCF-style: chr15-68506978-T-G.
Identifiers: ClinVar variation 668097 (VCV000668097.1), dbSNP rs6494721, ClinGen allele CA272387875.

ClinVar aggregate classification (germline): Benign (1 of 4 stars; one submission).

Allele frequency attached by ClinVar (database versions not stated): TOPMed 0.99306; gnomAD 0.99323 and 0.99389; 1000 Genomes Project 30x 0.99422; 1000 Genomes Project 0.99501; gnomAD exomes 0.99932.
gnomAD v4.1: 465,049 of 466,186 alleles (100%); highest among the groups gnomAD compares: East Asian, 100%; 231,973 homozygotes.

Submission:

GeneDx
Classification: Benign. Last evaluated: 2018-06-18. Review status: criteria provided, single submitter. Criteria: GeneDx Variant Classification (06012015). Collection method: clinical testing. Allele origin: germline. Affected: yes.
Comment: This variant is considered likely benign or benign based on one or more of the following criteria: it is a conservative change, it occurs at a poorly conserved position in the protein, it is predicted to be benign by multiple in silico algorithms, and/or has population frequency not consistent with disease.